The following is an entry in ClinVar:

ClinVar aggregate classification (germline): Pathogenic (1 of 4 stars; one submission).

Submission:

ISCA Site 6
Classification: Pathogenic. Last evaluated: 2011-08-12. Review status: criteria provided, single submitter. Criteria: Kaminsky et al. (Genet Med. 2011). Collection method: clinical testing. Allele origin: de novo. Affected: yes. Observed: 2 variant alleles.
Comment: Copy number variation identified through the course of routine clinical cytogenomic testing in postnatal populations. Clinical assertions have been curated as described in Kaminsky et al. 2011.

GRCh38/hg38 17q21.31(chr17:45598042-46273786)x1

Genes: CRHR1 (corticotropin releasing hormone receptor 1), KANSL1 (KAT8 regulatory NSL complex subunit 1), KANSL1-AS1 (KANSL1 antisense RNA 1), LINC02210 (long intergenic non-protein coding RNA 2210), LINC02210-CRHR1 (LINC02210-CRHR1 readthrough) and 9 more. Cytogenetic location: 17q21.31.
Variant type: copy number loss.
Change: copy number 1 (one copy instead of two) of chr17:45,598,042-46,273,786 (675.7 kb, GRCh38 coordinates, 1-based), cytogenetic band 17q21.31.
Identifiers: ClinVar variation 57525 (VCV000057525.2).